The following is an entry in ClinVar:

NM_001029883.3(PCARE):c.565A>G (p.Thr189Ala)

Gene: PCARE (photoreceptor cilium actin regulator; minus strand). Cytogenetic location: 2p23.2.
Variant type: single nucleotide variant.
Coding change: c.565A>G on transcript NM_001029883.3 (MANE Select); coding-DNA position 565, A replaced by G.
Protein change: p.Thr189Ala; replaces threonine 189 with alanine.
Molecular consequence: missense variant.
Genome position (GRCh38, 1-based): chr2:29,073,697, T>C on the plus strand (A>G on the coding strand, the complement: PCARE is on the minus strand). VCF-style: chr2-29073697-T-C. GRCh37 (hg19) VCF-style: chr2-29296563-T-C.
Other names: short protein forms T189A.
Identifiers: ClinVar variation 2780888 (VCV002780888.3), dbSNP rs1572829787, ClinGen allele CA346482019.

ClinVar aggregate classification (germline): Uncertain significance (1 of 4 stars; one submission).

Allele frequency attached by ClinVar (database versions not stated): TOPMed below 0.00001.

Submission:

Labcorp Genetics (formerly Invitae), Labcorp
Classification: Uncertain significance. Last evaluated: 2023-02-03. Review status: criteria provided, single submitter. Criteria: Invitae Variant Classification Sherloc (09022015). Collection method: clinical testing. Allele origin: germline.
Comment: In summary, the available evidence is currently insufficient to determine the role of this variant in disease. Therefore, it has been classified as a Variant of Uncertain Significance. Algorithms developed to predict the effect of missense changes on protein structure and function output the following: SIFT: "Tolerated"; PolyPhen-2: "Benign"; Align-GVGD: "Class C0". The alanine amino acid residue is found in multiple mammalian species, which suggests that this missense change does not adversely affect protein function. This variant has not been reported in the literature in individuals affected with PCARE-related conditions. This variant is not present in population databases (gnomAD no frequency). This sequence change replaces threonine, which is neutral and polar, with alanine, which is neutral and non-polar, at codon 189 of the PCARE protein (p.Thr189Ala).